The following is an entry in ClinVar:

NM_000548.5(TSC2):c.1823G>C (p.Ser608Thr)

Gene: TSC2 (TSC complex subunit 2; plus strand). Cytogenetic location: 16p13.3.
Variant type: single nucleotide variant.
Coding change: c.1823G>C on transcript NM_000548.5 (MANE Select); coding-DNA position 1823, G replaced by C.
Protein change: p.Ser608Thr; replaces serine 608 with threonine.
Molecular consequence: missense variant.
Genome position (GRCh38, 1-based): chr16:2,070,562, G>C. VCF-style: chr16-2070562-G-C. GRCh37 (hg19) VCF-style: chr16-2120563-G-C.
Other names: c.1823G>C, p.Ser608Thr (NM_001077183.3, NM_001114382.3, NM_001363528.2 and 3 more transcripts); c.1712G>C, p.Ser571Thr (NM_001318827.2); c.1676G>C, p.Ser559Thr (NM_001318829.2); c.1223G>C, p.Ser408Thr (NM_001318831.2); c.1856G>C, p.Ser619Thr (NM_001318832.2); short protein forms S608T, S559T, S571T, S619T, S408T.
Identifiers: ClinVar variation 535861 (VCV000535861.16), dbSNP rs753235037, ClinGen allele CA033723.
Genomic context (GRCh38, chr16:2,070,562, plus strand): 5'-AGATGCTGGTCAGCCACATTCAGCTCCACTACAAGCACAGCTACACCCTGCCAATCGCGA[G>C]CAGCATCCGGCTGCAGGTATGGTGGCTGGGGTTGCGCAGCCAGTTCCTGGGGGCCCAGCC-3'
Protein context (NP_000539.2, residues 598-618): YKHSYTLPIA[Ser608Thr]SIRLQAFDFL

ClinVar aggregate classification (germline): Conflicting classifications of pathogenicity. Review status: criteria provided, conflicting classifications (1 of 4 stars). 4 submissions from 4 submitters: Uncertain significance (3); Benign (1). Last evaluated 2025-10-29.

Conditions:
Hereditary cancer-predisposing syndrome. Also called: Neoplastic Syndromes, Hereditary; Hereditary neoplastic syndrome; Tumor predisposition; Hereditary Cancer Syndrome. Identifiers: Orphanet 140162, MedGen C0027672, MeSH D009386, MONDO:0015356.
Tuberous sclerosis 2 (TSC2). Identifiers: Orphanet 805, MedGen C1860707, MONDO:0013199, OMIM 613254.
Tuberous sclerosis syndrome (TSC). Also called: Tuberous Sclerosis Complex; Tuberous sclerosis. Identifiers: Orphanet 805, MedGen C0041341, MONDO:0001734.

Allele frequency attached by ClinVar (database versions not stated): gnomAD exomes 0.00001; ExAC 0.00002.
gnomAD v4.1: 11 of 1,613,132 alleles (0.00068%); highest among the groups gnomAD compares: Non-Finnish European, 0.00085%; no homozygotes.

Submissions (4):

Labcorp Genetics (formerly Invitae), Labcorp
Classification: Benign for Tuberous sclerosis 2. Last evaluated: 2025-10-29. Review status: criteria provided, single submitter. Criteria: Invitae Variant Classification Sherloc (09022015). Collection method: clinical testing. Allele origin: germline.

All of Us Research Program, National Institutes of Health
Classification: Uncertain significance for Tuberous sclerosis syndrome. Last evaluated: 2023-12-18. Review status: criteria provided, single submitter. Criteria: ACMG Guidelines, 2015. Collection method: clinical testing. Allele origin: germline. Inheritance: Autosomal dominant inheritance. Observed: 1 variant allele, 1 heterozygote.
Comment: This missense variant replaces serine with threonine at codon 608 of the TSC2 protein. Computational prediction is inconclusive regarding the impact of this variant on protein structure and function (internally defined REVEL score threshold 0.5 < inconclusive < 0.7, PMID: 27666373). To our knowledge, functional studies have not been reported for this variant. This variant has not been reported in individuals affected with TSC2-related disorders in the literature. This variant has been identified in 2/250274 chromosomes in the general population by the Genome Aggregation Database (gnomAD). The available evidence is insufficient to determine the role of this variant in disease conclusively. Therefore, this variant is classified as a Variant of Uncertain Significance.

This study involves interpretation of variants in research participants for the purpose of population health screening. Participant phenotype was not available at the time of variant classification. Additional details can be found in publication PMID: 35346344, PMCID: PMC8962531

Ambry Genetics
Classification: Uncertain significance for Hereditary cancer-predisposing syndrome. Last evaluated: 2023-11-22. Review status: criteria provided, single submitter. Criteria: Ambry Variant Classification Scheme 2023. Collection method: clinical testing. Allele origin: germline.
Comment: The p.S608T variant (also known as c.1823G>C), located in coding exon 16 of the TSC2 gene, results from a G to C substitution at nucleotide position 1823. The serine at codon 608 is replaced by threonine, an amino acid with similar properties. This amino acid position is well conserved in available vertebrate species. In addition, the in silico prediction for this alteration is inconclusive. Since supporting evidence is limited at this time, the clinical significance of this alteration remains unclear.

Genome-Nilou Lab
Classification: Uncertain significance for Tuberous sclerosis 2. Last evaluated: 2021-11-07. Review status: criteria provided, single submitter. Criteria: ACMG Guidelines, 2015. Collection method: clinical testing. Allele origin: germline. Affected: no.